The following is an entry in ClinVar:

NM_173651.4(FSIP2):c.5188G>T (p.Asp1730Tyr)

Genes: FSIP2 (fibrous sheath interacting protein 2; plus strand), FSIP2-AS1 (FSIP2 antisense RNA 1; minus strand). Cytogenetic location: 2q32.1.
Variant type: single nucleotide variant.
Coding change: c.5188G>T on transcript NM_173651.4 (MANE Select); coding-DNA position 5188, G replaced by T.
Protein change: p.Asp1730Tyr; replaces aspartic acid 1730 with tyrosine.
Molecular consequence: missense variant.
Genome position (GRCh38, 1-based): chr2:185,792,324, G>T. VCF-style: chr2-185792324-G-T. GRCh37 (hg19) VCF-style: chr2-186657051-G-T.
Other names: short protein forms D1730Y.
Identifiers: ClinVar variation 3097296 (VCV003097296.7), dbSNP rs545893401, ClinGen allele CA2016689.

ClinVar aggregate classification (germline): Uncertain significance. Review status: criteria provided, multiple submitters, no conflicts (2 of 4 stars). 2 submissions from 2 submitters: Uncertain significance (2). Last evaluated 2025-11-01.

Allele frequency attached by ClinVar (database versions not stated): TOPMed 0.00005; gnomAD 0.00006; gnomAD exomes 0.00009; 1000 Genomes Project 30x 0.00016; 1000 Genomes Project 0.00020.
gnomAD v4.1: 130 of 1,530,410 alleles (0.0085%); highest among the groups gnomAD compares: Non-Finnish European, 0.01%; no homozygotes.

Submissions (2):

CeGaT Center for Human Genetics Tuebingen
Classification: Uncertain significance. Last evaluated: 2025-11-01. Review status: criteria provided, single submitter. Criteria: CeGaT Center For Human Genetics Tuebingen Variant Classification Criteria Version 2. Collection method: clinical testing. Allele origin: germline. Affected: yes. Observed: 1 variant allele.
Comment: FSIP2: PM2, BP4

Ambry Genetics
Classification: Uncertain significance. Last evaluated: 2023-12-19. Review status: criteria provided, single submitter. Criteria: Ambry Variant Classification Scheme 2023. Collection method: clinical testing. Allele origin: germline.